The following is an entry in ClinVar:

ClinVar aggregate classification (germline): Uncertain significance. Review status: criteria provided, multiple submitters, no conflicts (2 of 4 stars). 2 submissions from 2 submitters: Uncertain significance (2). Last evaluated 2024-09-30.

Conditions:
Inborn genetic diseases. Identifiers: MedGen C0950123, MeSH D030342.

Allele frequency attached by ClinVar (database versions not stated): gnomAD exomes 0.00001; TOPMed 0.00001; ExAC 0.00002.
gnomAD v4.1: 16 of 1,613,936 alleles (0.00099%); highest among the groups gnomAD compares: Middle Eastern, 0.017%; no homozygotes.

Submissions (2):

Ambry Genetics
Classification: Uncertain significance for Inborn genetic diseases. Last evaluated: 2024-09-30. Review status: criteria provided, single submitter. Criteria: Ambry Variant Classification Scheme 2023. Collection method: clinical testing. Allele origin: germline.

Labcorp Genetics (formerly Invitae), Labcorp
Classification: Uncertain significance. Last evaluated: 2021-08-28. Review status: criteria provided, single submitter. Criteria: Invitae Variant Classification Sherloc (09022015). Collection method: clinical testing. Allele origin: germline.
Comment: This sequence change replaces alanine with proline at codon 229 of the TK2 protein (p.Ala229Pro). The alanine residue is moderately conserved and there is a small physicochemical difference between alanine and proline. This variant is present in population databases (rs750058780, ExAC 0.003%). This variant has not been reported in the literature in individuals affected with TK2-related conditions. Advanced modeling of protein sequence and biophysical properties (such as structural, functional, and spatial information, amino acid conservation, physicochemical variation, residue mobility, and thermodynamic stability) performed at Invitae indicates that this missense variant is not expected to disrupt TK2 protein function. In summary, the available evidence is currently insufficient to determine the role of this variant in disease. Therefore, it has been classified as a Variant of Uncertain Significance.

NM_004614.5(TK2):c.685G>C (p.Ala229Pro)

Gene: TK2 (thymidine kinase 2; minus strand). Cytogenetic location: 16q21.
Variant type: single nucleotide variant.
Coding change: c.685G>C on transcript NM_004614.5 (MANE Select); coding-DNA position 685, G replaced by C.
Protein change: p.Ala229Pro; replaces alanine 229 with proline.
Molecular consequence: missense variant. On other transcripts: non-coding transcript variant (1).
Genome position (GRCh38, 1-based): chr16:66,513,745, C>G on the plus strand (G>C on the coding strand, the complement: TK2 is on the minus strand). VCF-style: chr16-66513745-C-G. GRCh37 (hg19) VCF-style: chr16-66547648-C-G.
Other names: c.592G>C, p.Ala198Pro (NM_001172643.1); c.610G>C, p.Ala204Pro (NM_001172644.2); c.631G>C, p.Ala211Pro (NM_001172645.2); c.538G>C, p.Ala180Pro (NM_001271934.2); c.423G>C, p.Trp141Cys (NM_001271935.1); c.394G>C, p.Ala132Pro (NM_001272050.2); c.685G>C (NM_004614.4); short protein forms A180P, A229P, A132P, W141C, A198P, A204P, A211P.
Identifiers: ClinVar variation 1413506 (VCV001413506.6), dbSNP rs750058780, ClinGen allele CA8093585.
Genomic context (GRCh38, chr16:66,513,745, plus strand): 5'-CCTCTTTCTAGAACAGTCTCGTACCCTGTAAGGGAGTCTTACTTACCAGAACAGGGGCTG[C>G]CATGGGGAAAAGGCTGCCTTTGATGAGCCACTCCTCATGGAGATGGTGAATTGCTTCCAG-3'
Protein context (NP_004605.4, residues 219-239): WLIKGSLFPM[Ala229Pro]APVLVIEADH